The following is an entry in ClinVar:

ClinVar aggregate classification (germline): Uncertain significance (1 of 4 stars; one submission).

Conditions:
Severe combined immunodeficiency, autosomal recessive, T cell-negative, B cell-negative, NK cell-positive. Also called: SCID, T CELL-NEGATIVE, B CELL-NEGATIVE, NK CELL-POSITIVE; SCID, AR, T-cell negative, B-cell negative, NK cell-positive; Severe combined immunodeficiency due to complete RAG1/2 deficiency. Identifiers: Orphanet 331206, MedGen C1832322, MONDO:0011086, OMIM 601457.
Combined immunodeficiency with skin granulomas. Identifiers: Orphanet 157949, MedGen C2673536, MONDO:0009306, OMIM 233650.

Submission:

Labcorp Genetics (formerly Invitae), Labcorp
Classification: Uncertain significance for Combined immunodeficiency with skin granulomas; Severe combined immunodeficiency, autosomal recessive, T cell-negative, B cell-negative, NK cell-positive. Last evaluated: 2022-08-31. Review status: criteria provided, single submitter. Criteria: Invitae Variant Classification Sherloc (09022015). Collection method: clinical testing. Allele origin: germline.
Comment: This variant has not been reported in the literature in individuals affected with RAG1-related conditions. This sequence change replaces cysteine, which is neutral and slightly polar, with arginine, which is basic and polar, at codon 114 of the RAG1 protein (p.Cys114Arg). This variant is not present in population databases (gnomAD no frequency). Advanced modeling of protein sequence and biophysical properties (such as structural, functional, and spatial information, amino acid conservation, physicochemical variation, residue mobility, and thermodynamic stability) performed at Invitae indicates that this missense variant is expected to disrupt RAG1 protein function. In summary, the available evidence is currently insufficient to determine the role of this variant in disease. Therefore, it has been classified as a Variant of Uncertain Significance.

NM_000448.3(RAG1):c.340T>C (p.Cys114Arg)

Gene: RAG1 (recombination activating 1; plus strand). Cytogenetic location: 11p12.
Variant type: single nucleotide variant.
Coding change: c.340T>C on transcript NM_000448.3 (MANE Select); coding-DNA position 340, T replaced by C.
Protein change: p.Cys114Arg; replaces cysteine 114 with arginine.
Molecular consequence: missense variant.
Genome position (GRCh38, 1-based): chr11:36,573,644, T>C. VCF-style: chr11-36573644-T-C. GRCh37 (hg19) VCF-style: chr11-36595194-T-C.
Other names: c.340T>C, p.Cys114Arg (NM_001377277.1, NM_001377278.1, NM_001377279.1 and 1 more transcripts); short protein forms C114R.
Identifiers: ClinVar variation 2009841 (VCV002009841.4), dbSNP rs2494751303, ClinGen allele CA380146337.